The following is an entry in ClinVar:

ClinVar aggregate classification (germline): Likely pathogenic (1 of 4 stars; one submission).

Conditions:
Autosomal recessive limb-girdle muscular dystrophy. Identifiers: Orphanet 102015, MedGen C2931907, MONDO:0015152.

Submission:

Myriad Genetics, Inc.
Classification: Likely pathogenic for Autosomal recessive limb-girdle muscular dystrophy. Last evaluated: 2021-12-30. Review status: criteria provided, single submitter. Criteria: Myriad Autosomal Dominant, Autosomal Recessive and X-Linked Classification Criteria (2023). Collection method: clinical testing. Allele origin: unknown.
Comment: NM_003494.3(DYSF):c.2592_2593delGA(K865Gfs*7) is expected to be pathogenic in the context of dysferlinopathy. This variant is predicted to lead to an abnormal or absent protein product due to the creation of a premature termination codon in DYSF, a gene where loss-of-function variants are known to be pathogenic. Please note: this variant was assessed in the context of healthy population screening.

NM_001130987.2(DYSF):c.2646_2647del (p.Lys883fs)

Gene: DYSF (dysferlin; plus strand). Cytogenetic location: 2p13.2.
Variant type: Microsatellite.
Coding change: c.2646_2647del on transcript NM_001130987.2 (MANE Select); coding-DNA positions 2646 to 2647, 2 bases deleted (GA; older notation c.2646_2647delGA).
Protein change: p.Lys883fs; shifts the reading frame from lysine 883.
Molecular consequence: frameshift variant.
Genome position (GRCh38, 1-based): chr2:71,568,031-71,568,032, GA deleted; deleting any 2 consecutive bases within chr2:71,568,029-71,568,032 gives the same sequence; the c. name uses the placement nearest the transcript's 3' end. VCF-style (leftmost placement, unchanged base first): chr2-71568028-TGA-T. GRCh37 (hg19) VCF-style: chr2-71795158-TGA-T.
Other names: c.2685_2686del, p.Lys896fs (NM_001130979.2); c.2643_2644del, p.Lys882fs (NM_001130980.2, NM_001130981.2); c.2688_2689del, p.Lys897fs (NM_001130982.2); c.2595_2596del, p.Lys866fs (NM_001130983.2, NM_001130455.2); c.2553_2554del, p.Lys852fs (NM_001130984.2, NM_001130986.2); c.2646_2647del, p.Lys883fs (NM_001130985.2); c.2592_2593del, p.Lys865fs (NM_003494.4, NM_001130978.2); c.2550_2551del, p.Lys851fs (NM_001130976.2, NM_001130977.2); short protein forms K851fs, K852fs, K865fs, K866fs, K882fs, K883fs, K896fs, K897fs.
Identifiers: ClinVar variation 1726692 (VCV001726692.3), dbSNP rs2545798157, ClinGen allele CA2580611651.